The following is an entry in ClinVar:

NM_005228.5(EGFR):c.1839C>T (p.Ala613=)

Gene: EGFR (epidermal growth factor receptor; plus strand). Cytogenetic location: 7p11.2.
Variant type: single nucleotide variant.
Coding change: c.1839C>T on transcript NM_005228.5 (MANE Select); coding-DNA position 1839, C replaced by T.
Protein change: p.Ala613=; no amino-acid change (alanine 613 retained).
Molecular consequence: synonymous variant.
Genome position (GRCh38, 1-based): chr7:55,165,396, C>T. VCF-style: chr7-55165396-C-T. GRCh37 (hg19) VCF-style: chr7-55233089-C-T.
Other names: p.Ala613=; c.1704C>T, p.Ala568= (NM_001346897.2, NM_001346899.2); c.1839C>T, p.Ala613= (NM_001346898.2, NM_201282.2, NM_201284.2); c.1680C>T, p.Ala560= (NM_001346900.2); c.1038C>T, p.Ala346= (NM_001346941.2); c.1839C>T (NM_005228.4).
Identifiers: ClinVar variation 360461 (VCV000360461.17), dbSNP rs17290169, ClinGen allele CA4265711.

ClinVar aggregate classification (germline): Benign. Review status: criteria provided, multiple submitters, no conflicts (2 of 4 stars). 7 submissions from 7 submitters: Benign (7). Last evaluated 2026-02-04.

Conditions:
Lung cancer. Also called: Malignant tumor of lung; Lung cancer, somatic. Identifiers: MedGen C0242379, MONDO:0008903, OMIM 211980.
Hereditary cancer-predisposing syndrome. Also called: Neoplastic Syndromes, Hereditary; Tumor predisposition; Hereditary neoplastic syndrome; Hereditary Cancer Syndrome. Identifiers: Orphanet 140162, MedGen C0027672, MeSH D009386, MONDO:0015356.
EGFR-related lung cancer (EGFR). Identifiers: MedGen CN130014.

Allele frequency attached by ClinVar (database versions not stated): 1000 Genomes Project 0.04213; 1000 Genomes Project 30x 0.04310; TOPMed 0.05385; gnomAD 0.05455 and 0.05521; gnomAD exomes 0.05465; ESP Exome Variant Server 0.05805.
gnomAD v4.1: 88,333 of 1,614,052 alleles (5.5%); highest among the groups gnomAD compares: Middle Eastern, 9%; 2,548 homozygotes.

Submissions (7):

Labcorp Genetics (formerly Invitae), Labcorp
Classification: Benign for EGFR-related lung cancer. Last evaluated: 2026-02-04. Review status: criteria provided, single submitter. Criteria: Invitae Variant Classification Sherloc (09022015). Collection method: clinical testing. Allele origin: germline.

Ambry Genetics
Classification: Benign for Hereditary cancer-predisposing syndrome. Last evaluated: 2024-10-18. Review status: criteria provided, single submitter. Criteria: Ambry Variant Classification Scheme 2023. Collection method: clinical testing. Allele origin: germline.

KCCC/NGS Laboratory, Kuwait Cancer Control Center
Classification: Benign for Lung cancer. Last evaluated: 2023-07-07. Review status: criteria provided, single submitter. Criteria: ACMG Guidelines, 2015. Collection method: clinical testing. Allele origin: germline. Affected: yes.

Mayo Clinic Laboratories, Mayo Clinic
Classification: Benign. Last evaluated: 2022-03-03. Review status: criteria provided, single submitter. Criteria: ACMG Guidelines, 2015. Collection method: clinical testing. Allele origin: germline. Observed: 31 variant alleles.

GeneDx
Classification: Benign. Last evaluated: 2019-02-24. Review status: criteria provided, single submitter. Criteria: GeneDx Variant Classification Process June 2021. Collection method: clinical testing. Allele origin: germline. Affected: yes.

Laboratory for Molecular Medicine, Mass General Brigham Personalized Medicine
Classification: Benign. Last evaluated: 2016-03-29. Review status: criteria provided, single submitter. Criteria: LMM Criteria. Collection method: clinical testing. Allele origin: germline.
Comment: Variant identified in a genome or exome case(s) and assessed due to predicted null impact of the variant or pathogenic assertions in the literature or databases. Disclaimer: This variant has not undergone full assessment. The following are preliminary notes: Frequency

Breakthrough Genomics
Classification: Benign. Review status: criteria provided, single submitter. Criteria: ACMG Guidelines, 2015. Collection method: not provided. Allele origin: germline. Inheritance: Autosomal recessive inheritance. Affected: yes.